The following is an entry in ClinVar:

NM_007194.4(CHEK2):c.1254dup (p.Ile419fs)

Gene: CHEK2 (checkpoint kinase 2; minus strand). Cytogenetic location: 22q12.1.
Variant type: Duplication.
Coding change: c.1254dup on transcript NM_007194.4 (MANE Select); coding-DNA position 1254, one base duplicated (T; older notation c.1254dupT).
Protein change: p.Ile419fs; shifts the reading frame from isoleucine 419.
Molecular consequence: frameshift variant.
Genome position (GRCh38, 1-based): chr22:28,695,715, A duplicated on the plus strand (T on the coding strand, the reverse complement: CHEK2 is on the minus strand); the first of 5 consecutive A bases (chr22:28,695,715-28,695,719); duplicating any one gives the same sequence. VCF-style (leftmost placement, unchanged base first): chr22-28695714-T-TA. GRCh37 (hg19) VCF-style: chr22-29091702-T-TA.
Other names: c.1379dup, p.Ile462Tyrfs (NM_001005735.3); c.587dup, p.Ile198Tyrfs (NM_001257387.3); c.1049dup, p.Ile352Tyrfs (NM_001349956.3); c.1163dup, p.Ile390Tyrfs (NM_145862.3); short protein forms I198fs, I352fs, I390fs, I419fs, I462fs.
Identifiers: ClinVar variation 1761488 (VCV001761488.5), dbSNP rs587780173, ClinGen allele CA2580099468.

ClinVar aggregate classification (germline): Pathogenic. Review status: criteria provided, multiple submitters, no conflicts (2 of 4 stars). 2 submissions from 2 submitters: Pathogenic (2). Last evaluated 2024-06-17.

Conditions:
Hereditary cancer-predisposing syndrome. Also called: Neoplastic Syndromes, Hereditary; Tumor predisposition; Hereditary Cancer Syndrome; Hereditary neoplastic syndrome. Identifiers: Orphanet 140162, MedGen C0027672, MeSH D009386, MONDO:0015356.
Familial cancer of breast. Also called: Hereditary breast cancer; BREAST CANCER, FAMILIAL; hereditary breast carcinoma. Identifiers: Orphanet 227535, MedGen C0346153, MONDO:0016419, OMIM 114480. Disease mechanism: loss of function.

Submissions (2):

Ambry Genetics
Classification: Pathogenic for Hereditary cancer-predisposing syndrome. Last evaluated: 2024-06-17. Review status: criteria provided, single submitter. Criteria: Ambry Variant Classification Scheme 2023. Collection method: clinical testing. Allele origin: germline.
Comment: The c.1254dupT pathogenic mutation, located in coding exon 10 of the CHEK2 gene, results from a duplication of T at nucleotide position 1254, causing a translational frameshift with a predicted alternate stop codon (p.I419Yfs*4). This alteration is expected to result in loss of function by premature protein truncation or nonsense-mediated mRNA decay. As such, this alteration is interpreted as a disease-causing mutation.

Labcorp Genetics (formerly Invitae), Labcorp
Classification: Pathogenic for Familial cancer of breast. Last evaluated: 2024-03-09. Review status: criteria provided, single submitter. Criteria: Invitae Variant Classification Sherloc (09022015). Collection method: clinical testing. Allele origin: germline.
Comment: This sequence change creates a premature translational stop signal (p.Ile419Tyrfs*4) in the CHEK2 gene. It is expected to result in an absent or disrupted protein product. Loss-of-function variants in CHEK2 are known to be pathogenic (PMID: 21876083, 24713400). This variant is not present in population databases (gnomAD no frequency). This variant has not been reported in the literature in individuals affected with CHEK2-related conditions. ClinVar contains an entry for this variant (Variation ID: 1761488). For these reasons, this variant has been classified as Pathogenic.

Literature cited by the submitters: PubMed 21876083 (cited by Labcorp Genetics (formerly Invitae), Labcorp); PubMed 24713400 (cited by Labcorp Genetics (formerly Invitae), Labcorp).